The following is an entry in ClinVar:

ClinVar aggregate classification (germline): Benign/Likely benign. Review status: criteria provided, multiple submitters, no conflicts (2 of 4 stars). 6 submissions from 6 submitters: Benign (3); Likely benign (3). Last evaluated 2026-02-01.

Conditions:
Ehlers-Danlos syndrome, classic type, 1 (EDSCL1). Also called: Ehlers-Danlos Syndrome, Classic Type, COL5A1-Related; EDS I; EHLERS-DANLOS SYNDROME, GRAVIS TYPE; EHLERS-DANLOS SYNDROME, SEVERE CLASSIC TYPE; Ehlers-Danlos syndrome, type 1. Identifiers: MedGen C0268335, MONDO:0019567, OMIM 130000.
Ehlers-Danlos syndrome, classic type, 2 (EDSCL2). Also called: Ehlers-Danlos Syndrome, Classic Type, COL5A2-Related; Ehlers-Danlos syndrome type 2 (formerly); Ehlers-Danlos syndrome, type 2. Identifiers: Orphanet 287, Orphanet 90318, MedGen C0268336, MONDO:0019568, OMIM 130010.
Familial thoracic aortic aneurysm and aortic dissection (TAAD). Also called: Thoracic aortic aneurysms and dissections. Identifiers: Orphanet 91387, MedGen C4707243, MONDO:0019625.

Allele frequency attached by ClinVar (database versions not stated): TOPMed 0.00002; 1000 Genomes Project 30x 0.00016; 1000 Genomes Project 0.00020; ExAC 0.00048.
gnomAD v4.1: 246 of 1,606,864 alleles (0.015%); highest among the groups gnomAD compares: South Asian, 0.22%; 2 homozygotes.

Submissions (6):

Labcorp Genetics (formerly Invitae), Labcorp
Classification: Benign for Ehlers-Danlos syndrome, classic type, 1. Last evaluated: 2026-02-01. Review status: criteria provided, single submitter. Criteria: Invitae Variant Classification Sherloc (09022015). Collection method: clinical testing. Allele origin: germline.

Women's Health and Genetics/Laboratory Corporation of America, LabCorp
Classification: Benign. Last evaluated: 2026-01-26. Review status: criteria provided, single submitter. Criteria: LabCorp Variant Classification Summary - May 2015. Collection method: clinical testing. Allele origin: germline.

Blueprint Genetics
Classification: Likely benign. Last evaluated: 2024-11-20. Review status: criteria provided, single submitter. Criteria: ACMG Guidelines, 2015. Collection method: clinical testing. Allele origin: germline.

Ambry Genetics
Classification: Likely benign for Familial thoracic aortic aneurysm and aortic dissection. Last evaluated: 2022-05-30. Review status: criteria provided, single submitter. Criteria: Ambry Variant Classification Scheme 2023. Collection method: clinical testing. Allele origin: germline.

GeneDx
Classification: Likely benign. Last evaluated: 2020-11-10. Review status: criteria provided, single submitter. Criteria: GeneDx Variant Classification Process June 2021. Collection method: clinical testing. Allele origin: germline. Affected: yes.

Illumina Laboratory Services, Illumina
Classification: Benign for Ehlers-Danlos syndrome, classic type, 2. Last evaluated: 2018-01-12. Review status: criteria provided, single submitter. Criteria: ICSL Variant Classification Criteria 13 December 2019. Collection method: clinical testing. Allele origin: germline.
Comment: This variant was observed in the ICSL laboratory as part of a predisposition screen in an ostensibly healthy population. It had not been previously curated by ICSL or reported in the Human Gene Mutation Database (HGMD: prior to June 1st, 2018), and was therefore a candidate for classification through an automated scoring system. Utilizing variant allele frequency, disease prevalence and penetrance estimates, and inheritance mode, an automated score was calculated to assess if this variant is too frequent to cause the disease. Based on the score and internal cut-off values, a variant classified as benign is not then subjected to further curation. The score for this variant resulted in a classification of benign for this disease.

NM_000393.5(COL5A2):c.552C>T (p.Pro184=)

Gene: COL5A2 (collagen type V alpha 2 chain; minus strand). Cytogenetic location: 2q32.2.
Variant type: single nucleotide variant.
Coding change: c.552C>T on transcript NM_000393.5 (MANE Select); coding-DNA position 552, C replaced by T.
Protein change: p.Pro184=; no amino-acid change (proline 184 retained).
Molecular consequence: synonymous variant.
Genome position (GRCh38, 1-based): chr2:189,092,325, G>A on the plus strand (C>T on the coding strand, the complement: COL5A2 is on the minus strand). VCF-style: chr2-189092325-G-A. GRCh37 (hg19) VCF-style: chr2-189957051-G-A.
Identifiers: ClinVar variation 333150 (VCV000333150.19), dbSNP rs548352939, ClinGen allele CA2023037.